The following is an entry in ClinVar:

NM_000548.5(TSC2):c.3826T>G (p.Ser1276Ala)

Gene: TSC2 (TSC complex subunit 2; plus strand). Cytogenetic location: 16p13.3.
Variant type: single nucleotide variant.
Coding change: c.3826T>G on transcript NM_000548.5 (MANE Select); coding-DNA position 3826, T replaced by G.
Protein change: p.Ser1276Ala; replaces serine 1276 with alanine.
Molecular consequence: missense variant. On other transcripts: intron variant (6).
Genome position (GRCh38, 1-based): chr16:2,082,447, T>G. VCF-style: chr16-2082447-T-G. GRCh37 (hg19) VCF-style: chr16-2132448-T-G.
Other names: c.3826T>G (NM_000548.3); c.3094T>G, p.Ser1032Ala (NM_001318831.2); c.3694T>G, p.Ser1232Ala (NM_001370404.1); c.3697T>G, p.Ser1233Ala (NM_001370405.1, NM_021055.3); c.3814+649T>G (NM_001114382.3); c.3685+649T>G (NM_001363528.2); c.3682+649T>G (NM_001077183.3); c.3574+649T>G (NM_001318827.2); and 2 more; short protein forms S1232A, S1276A, S1032A, S1233A.
Identifiers: ClinVar variation 1512339 (VCV001512339.7), dbSNP rs2151492520, ClinGen allele CA394294843.

ClinVar aggregate classification (germline): Uncertain significance. Review status: criteria provided, multiple submitters, no conflicts (2 of 4 stars). 2 submissions from 2 submitters: Uncertain significance (2). Last evaluated 2026-04-27.

Conditions:
Tuberous sclerosis 2 (TSC2). Identifiers: Orphanet 805, MedGen C1860707, MONDO:0013199, OMIM 613254.
Hereditary cancer-predisposing syndrome. Also called: Tumor predisposition; Neoplastic Syndromes, Hereditary; Hereditary Cancer Syndrome; Hereditary neoplastic syndrome. Identifiers: Orphanet 140162, MedGen C0027672, MeSH D009386, MONDO:0015356.

Submissions (2):

Ambry Genetics
Classification: Uncertain significance for Hereditary cancer-predisposing syndrome. Last evaluated: 2026-04-27. Review status: criteria provided, single submitter. Criteria: Ambry Variant Classification Scheme 2023. Collection method: clinical testing. Allele origin: germline.
Comment: The p.S1276A variant (also known as c.3826T>G), located in coding exon 31 of the TSC2 gene, results from a T to G substitution at nucleotide position 3826. The serine at codon 1276 is replaced by alanine, an amino acid with similar properties. This amino acid position is conserved. In addition, the in silico prediction for this alteration is inconclusive. Based on the available evidence, the clinical significance of this variant remains unclear.

Labcorp Genetics (formerly Invitae), Labcorp
Classification: Uncertain significance for Tuberous sclerosis 2. Last evaluated: 2025-08-04. Review status: criteria provided, single submitter. Criteria: Invitae Variant Classification Sherloc (09022015). Collection method: clinical testing. Allele origin: germline.
Comment: This sequence change replaces serine, which is neutral and polar, with alanine, which is neutral and non-polar, at codon 1276 of the TSC2 protein (p.Ser1276Ala). This variant is not present in population databases (gnomAD no frequency). This variant has not been reported in the literature in individuals affected with TSC2-related conditions. ClinVar contains an entry for this variant (Variation ID: 1512339). Invitae Evidence Modeling of protein sequence and biophysical properties (such as structural, functional, and spatial information, amino acid conservation, physicochemical variation, residue mobility, and thermodynamic stability) indicates that this missense variant is not expected to disrupt TSC2 protein function with a negative predictive value of 95%. In summary, the available evidence is currently insufficient to determine the role of this variant in disease. Therefore, it has been classified as a Variant of Uncertain Significance.